The following is an entry in ClinVar:

ClinVar aggregate classification (germline): Benign (1 of 4 stars; one submission).

Allele frequency attached by ClinVar (database versions not stated): ESP Exome Variant Server 0.37260; TOPMed 0.38646; 1000 Genomes Project 30x 0.45347; 1000 Genomes Project 0.46625.
gnomAD v4.1: 669,450 of 1,613,892 alleles (41%); highest among the groups gnomAD compares: East Asian, 72%; 143,196 homozygotes.

Submission:

Unidad de Genómica Garrahan, Hospital de Pediatría Garrahan
Classification: Benign. Last evaluated: 2024-01-24. Review status: criteria provided, single submitter. Criteria: ACMG Guidelines, 2015. Collection method: clinical testing. Allele origin: germline. Affected: no. Observed: 58 variant alleles.
Comment: This variant is classified as Benign based on local population frequency. This variant was detected in 66% of patients studied by a panel of primary immunodeficiencies. Number of patients: 58. Only high quality variants are reported.

NM_021258.4(IL22RA1):c.1552C>G (p.Arg518Gly)

Gene: IL22RA1 (interleukin 22 receptor subunit alpha 1; minus strand). Cytogenetic location: 1p36.11.
Variant type: single nucleotide variant.
Coding change: c.1552C>G on transcript NM_021258.4 (MANE Select); coding-DNA position 1552, C replaced by G.
Protein change: p.Arg518Gly; replaces arginine 518 with glycine.
Molecular consequence: missense variant.
Genome position (GRCh38, 1-based): chr1:24,120,978, G>C on the plus strand (C>G on the coding strand, the complement: IL22RA1 is on the minus strand). VCF-style: chr1-24120978-G-C. GRCh37 (hg19) VCF-style: chr1-24447468-G-C.
Other names: short protein forms R518G.
Identifiers: ClinVar variation 2688377 (VCV002688377.2), dbSNP rs3795299, ClinGen allele CA688865.